The following is an entry in ClinVar:

NM_001369.3(DNAH5):c.4282_4295del (p.Tyr1429fs)

Genes: DNAH5 (dynein axonemal heavy chain 5; minus strand), DNAH5-AS1 (DNAH5 antisense RNA 1; plus strand). Cytogenetic location: 5p15.2.
Variant type: Deletion.
Coding change: c.4282_4295del on transcript NM_001369.3 (MANE Select); coding-DNA positions 4282 to 4295, 14 bases deleted (AGCTATTATGATAT).
Protein change: p.Tyr1429fs; shifts the reading frame from tyrosine 1429.
Molecular consequence: frameshift variant.
Genome position (GRCh38, 1-based): chr5:13,865,728-13,865,741, ATATCATAATAGCT deleted on the plus strand (AGCTATTATGATAT on the coding strand, the reverse complement: DNAH5 is on the minus strand); deleting any 14 consecutive bases within chr5:13,865,728-13,865,743 gives the same sequence; the c. name uses the placement nearest the transcript's 3' end. VCF-style (leftmost placement, unchanged base first): chr5-13865727-AATATCATAATAGCT-A. GRCh37 (hg19) VCF-style: chr5-13865836-AATATCATAATAGCT-A.
Other names: short protein forms Y1429fs.
Identifiers: ClinVar variation 2813733 (VCV002813733.3), dbSNP rs2546982589, ClinGen allele CA2739274629.

ClinVar aggregate classification (germline): Pathogenic (1 of 4 stars; one submission).

Conditions:
Primary ciliary dyskinesia. Also called: Ciliary dyskinesia. Identifiers: Orphanet 244, MedGen C0008780, MONDO:0016575, HP:0012265.

Submission:

Labcorp Genetics (formerly Invitae), Labcorp
Classification: Pathogenic for Primary ciliary dyskinesia. Last evaluated: 2022-11-12. Review status: criteria provided, single submitter. Criteria: Invitae Variant Classification Sherloc (09022015). Collection method: clinical testing. Allele origin: germline.
Comment: This sequence change creates a premature translational stop signal (p.Tyr1429Leufs*7) in the DNAH5 gene. It is expected to result in an absent or disrupted protein product. Loss-of-function variants in DNAH5 are known to be pathogenic (PMID: 11788826, 16627867). This variant is not present in population databases (gnomAD no frequency). This variant has not been reported in the literature in individuals affected with DNAH5-related conditions. Algorithms developed to predict the effect of sequence changes on RNA splicing suggest that this variant may create or strengthen a splice site. For these reasons, this variant has been classified as Pathogenic.

Literature cited by the submitters: PubMed 11788826; PubMed 16627867.